The following is an entry in ClinVar:

NM_033159.4(HYAL1):c.1291C>T (p.Arg431Trp)

Gene: HYAL1 (hyaluronidase 1; minus strand). Cytogenetic location: 3p21.31.
Variant type: single nucleotide variant.
Coding change: c.1291C>T on transcript NM_033159.4 (MANE Select); coding-DNA position 1291, C replaced by T.
Protein change: p.Arg431Trp; replaces arginine 431 with tryptophan.
Molecular consequence: missense variant. On other transcripts: non-coding transcript variant (1).
Genome position (GRCh38, 1-based): chr3:50,300,500, G>A on the plus strand (C>T on the coding strand, the complement: HYAL1 is on the minus strand). VCF-style: chr3-50300500-G-A. GRCh37 (hg19) VCF-style: chr3-50337931-G-A.
Other names: c.1291C>T (NM_153281.1); c.1291C>T, p.Arg431Trp (NM_153281.2); c.1201C>T, p.Arg401Trp (NM_153282.3); c.745C>T, p.Arg249Trp (NM_153283.3); c.514C>T, p.Arg172Trp (NM_153285.3); short protein forms R172W, R431W, R401W, R249W.
Identifiers: ClinVar variation 1041971 (VCV001041971.10), dbSNP rs782616691, ClinGen allele CA2415690.
Genomic context (GRCh38, chr3:50,300,500, plus strand): 5'-AGTGCATTAGGTTCTCAATATGTGCAACTCAGTGTGTGGCCAATCACCACATGCTCTTCC[G>A]CTCACACCACGGTGCCTGCCAGCCAGGGTAGCATCGACATTTGAACTCCACAGCCATCTG-3'
Protein context (NP_149349.2, residues 421-435): YPGWQAPWCE[Arg431Trp]KSMW

ClinVar aggregate classification (germline): Uncertain significance. Review status: criteria provided, multiple submitters, no conflicts (2 of 4 stars). 3 submissions from 3 submitters: Uncertain significance (2). 1 of the submissions does not count toward it. Last evaluated 2025-06-18.

Conditions:
Deficiency of hyaluronoglucosaminidase (MPS9). Also called: MPS IX; Mucopolysaccharidosis type 9; HYALURONIDASE DEFICIENCY. Identifiers: Orphanet 67041, MedGen C1291490, MONDO:0011093, OMIM 601492.

Allele frequency attached by ClinVar (database versions not stated): gnomAD 0.00001; gnomAD exomes 0.00001; TOPMed 0.00002; ExAC 0.00003.

Submissions (3):

Ambry Genetics
Classification: Uncertain significance. Last evaluated: 2025-06-18. Review status: criteria provided, single submitter. Criteria: Ambry Variant Classification Scheme 2023. Collection method: clinical testing. Allele origin: germline.

Labcorp Genetics (formerly Invitae), Labcorp
Classification: Uncertain significance for Deficiency of hyaluronoglucosaminidase. Last evaluated: 2024-07-29. Review status: criteria provided, single submitter. Criteria: Invitae Variant Classification Sherloc (09022015). Collection method: clinical testing. Allele origin: germline.
Comment: This sequence change replaces arginine, which is basic and polar, with tryptophan, which is neutral and slightly polar, at codon 431 of the HYAL1 protein (p.Arg431Trp). This variant is present in population databases (rs782616691, gnomAD 0.006%). This variant has not been reported in the literature in individuals affected with HYAL1-related conditions. ClinVar contains an entry for this variant (Variation ID: 1041971). An algorithm developed to predict the effect of missense changes on protein structure and function (PolyPhen-2) suggests that this variant¬†is likely to be tolerated. In summary, the available evidence is currently insufficient to determine the role of this variant in disease. Therefore, it has been classified as a Variant of Uncertain Significance.

Natera, Inc.
Classification: Uncertain significance for Mucopolysaccharidosis type IX. Last evaluated: 2021-09-08. Review status: no assertion criteria provided. Collection method: clinical testing. Allele origin: germline. Not counted in ClinVar's aggregate classification.